The following is an entry in ClinVar:

NM_000887.5(ITGAX):c.1550C>G (p.Pro517Arg)

Gene: ITGAX (integrin subunit alpha X; plus strand). Cytogenetic location: 16p11.2.
Variant type: single nucleotide variant.
Coding change: c.1550C>G on transcript NM_000887.5 (MANE Select); coding-DNA position 1550, C replaced by G.
Protein change: p.Pro517Arg; replaces proline 517 with arginine.
Molecular consequence: missense variant.
Genome position (GRCh38, 1-based): chr16:31,363,214, C>G. VCF-style: chr16-31363214-C-G. GRCh37 (hg19) VCF-style: chr16-31374535-C-G.
Other names: c.1550C>G, p.Pro517Arg (NM_001286375.2); short protein forms P517R.
Identifiers: ClinVar variation 1290142 (VCV001290142.3), dbSNP rs2230429, ClinGen allele CA8026858.

ClinVar aggregate classification (germline): Benign. Review status: criteria provided, multiple submitters, no conflicts (2 of 4 stars). 2 submissions from 2 submitters: Benign (2). Last evaluated 2020-02-18.

Allele frequency attached by ClinVar (database versions not stated): 1000 Genomes Project 30x 0.28998; gnomAD 0.29097 and 0.29407; ESP Exome Variant Server 0.29460; TOPMed 0.29785; 1000 Genomes Project 0.29872; ExAC 0.33126; gnomAD exomes 0.34097.
gnomAD v4.1: 549,374 of 1,612,670 alleles (34%); highest among the groups gnomAD compares: East Asian, 76%; 101,517 homozygotes.

Submissions (2):

GeneDx
Classification: Benign. Last evaluated: 2020-02-18. Review status: criteria provided, single submitter. Criteria: GeneDx Variant Classification Process June 2021. Collection method: clinical testing. Allele origin: germline. Affected: yes.
Comment: This variant is associated with the following publications: (PMID: 25155097)

Breakthrough Genomics
Classification: Benign. Review status: criteria provided, single submitter. Criteria: ACMG Guidelines, 2015. Collection method: not provided. Allele origin: germline. Inheritance: Unknown mechanism. Affected: yes.